The following is an entry in ClinVar:

ClinVar aggregate classification (germline): Uncertain significance. Review status: criteria provided, multiple submitters, no conflicts (2 of 4 stars). 2 submissions from 2 submitters: Uncertain significance (2). Last evaluated 2022-05-21.

Conditions:
Charcot-Marie-Tooth disease type 4. Also called: Charcot-Marie-Tooth, Type 4; Charcot-Marie-Tooth disease, type IV. Identifiers: Orphanet 64749, MedGen C4082197, MONDO:0018995.

Allele frequency attached by ClinVar (database versions not stated): gnomAD exomes below 0.00001 and 0.00002; ExAC 0.00003; TOPMed 0.00007; gnomAD 0.00008 and 0.00009; 1000 Genomes Project 30x 0.00031; 1000 Genomes Project 0.00040.
gnomAD v4.1: 18 of 1,609,556 alleles (0.0011%); highest among the groups gnomAD compares: African/African-American, 0.023%; no homozygotes.

Submissions (2):

Labcorp Genetics (formerly Invitae), Labcorp
Classification: Uncertain significance for Charcot-Marie-Tooth disease type 4. Last evaluated: 2022-05-21. Review status: criteria provided, single submitter. Criteria: Invitae Variant Classification Sherloc (09022015). Collection method: clinical testing. Allele origin: germline.
Comment: This sequence change replaces valine, which is neutral and non-polar, with leucine, which is neutral and non-polar, at codon 1116 of the PRX protein (p.Val1116Leu). This variant is present in population databases (rs148075077, gnomAD 0.02%). This variant has not been reported in the literature in individuals affected with PRX-related conditions. ClinVar contains an entry for this variant (Variation ID: 596671). Algorithms developed to predict the effect of missense changes on protein structure and function output the following: SIFT: "Tolerated"; PolyPhen-2: "Benign"; Align-GVGD: "Class C0". The leucine amino acid residue is found in multiple mammalian species, which suggests that this missense change does not adversely affect protein function. In summary, the available evidence is currently insufficient to determine the role of this variant in disease. Therefore, it has been classified as a Variant of Uncertain Significance.

Eurofins Ntd Llc (ga)
Classification: Uncertain significance. Last evaluated: 2018-04-10. Review status: criteria provided, single submitter. Criteria: EGL ClinVar v180209 classification definitions. Collection method: clinical testing. Allele origin: germline. Observed: 1 variant allele, 1 heterozygote.

NM_181882.3(PRX):c.3346G>T (p.Val1116Leu)

Gene: PRX (periaxin; minus strand). Cytogenetic location: 19q13.2.
Variant type: single nucleotide variant.
Coding change: c.3346G>T on transcript NM_181882.3 (MANE Select); coding-DNA position 3346, G replaced by T.
Protein change: p.Val1116Leu; replaces valine 1116 with leucine.
Molecular consequence: missense variant. On other transcripts: 3 prime UTR variant (1).
Genome position (GRCh38, 1-based): chr19:40,395,006, C>A on the plus strand (G>T on the coding strand, the complement: PRX is on the minus strand). VCF-style: chr19-40395006-C-A. GRCh37 (hg19) VCF-style: chr19-40900913-C-A.
Other names: c.*3551G>T (NM_020956.2); short protein forms V1116L.
Identifiers: ClinVar variation 596671 (VCV000596671.12), dbSNP rs148075077, ClinGen allele CA9443876.